The following is an entry in ClinVar:

ClinVar aggregate classification (germline): Likely pathogenic (1 of 4 stars; one submission).

Conditions:
Intellectual developmental disorder, autosomal dominant 66. Also called: MENTAL RETARDATION, AUTOSOMAL DOMINANT 66. Identifiers: MedGen C5677000, MONDO:0030891, OMIM 619910.

Submission:

Victorian Clinical Genetics Services, Murdoch Childrens Research Institute
Classification: Likely pathogenic for Intellectual developmental disorder, autosomal dominant 66. Last evaluated: 2023-07-17. Review status: criteria provided, single submitter. Criteria: ACMG Guidelines, 2015. Collection method: clinical testing. Allele origin: germline. Inheritance: Autosomal dominant inheritance. Affected: yes.
Comment: Based on the classification scheme VCGS_Germline_v1.3.4, this variant is classified as Likely pathogenic. Following criteria are met: 0102 - Loss of function is a known mechanism of disease in this gene and is associated with intellectual developmental disorder, autosomal dominant 66 (MIM#619910; PMID: 35358416). (I) 0107 - This gene is associated with autosomal dominant disease. (I) 0211 - Canonical splice site variant without proven consequence on splicing (no functional evidence available). (SP) 0251 - This variant is heterozygous. (I) 0301 - Variant is absent from gnomAD (both v2 and v3). (SP) 0505 - Abnormal splicing is predicted by in silico tools and affected nucleotide is highly conserved. (SP) 0705 - No comparable splice site variants have previous evidence for pathogenicity. (I) 0807 - This variant has no previous evidence of pathogenicity. (I) 0905 - No published segregation evidence has been identified for this variant. (I) 1007 - No published functional evidence has been identified for this variant. (I) 1208 - Inheritance information for this variant is not currently available in this individual. (I) Legend: (SP) - Supporting pathogenic, (I) - Information, (SB) - Supporting benign

Literature cited by the submitters: PubMed 35358416.

NM_001366521.1(ATP2B1):c.1130-2A>C

Gene: ATP2B1 (ATPase plasma membrane Ca2+ transporting 1; minus strand). Cytogenetic location: 12q21.33.
Variant type: single nucleotide variant.
Coding change: c.1130-2A>C on transcript NM_001366521.1 (MANE Select); the canonical splice acceptor site of the intron before coding-DNA position 1130, A replaced by C.
Molecular consequence: splice acceptor variant.
Genome position (GRCh38, 1-based): chr12:89,624,399, T>G on the plus strand (A>C on the coding strand, the complement: ATP2B1 is on the minus strand). VCF-style: chr12-89624399-T-G. GRCh37 (hg19) VCF-style: chr12-90018176-T-G.
Other names: c.932-2A>C (NM_001413053.1, NM_001366530.1); c.569-2A>C (NM_001413060.1, NM_001366531.1, NM_001413058.1 and 2 more transcripts); c.875-2A>C (NM_001413056.1); c.989-2A>C (NM_001413051.1, NM_001413055.1, NM_001413052.1); c.1091-2A>C (NM_001413048.1); c.1130-2A>C (NM_001413054.1, NM_001413050.1, NM_001366529.1 and 13 more transcripts); c.677-2A>C (NM_001413057.1).
Identifiers: ClinVar variation 3376912 (VCV003376912.1).
Genomic context (GRCh38, chr12:89,624,399, plus strand): 5'-GGTGTCAATGACAAAATATAATACTAGAATGATAACTGTGATGGCAGACATCAACAGACC[T>G]TTCAGAATAGAAATGAAAGAAAAATGTGATTATTAAATTTCCAGACACTAACCCTTGCCA-3'